The following is an entry in ClinVar:

NM_199242.3(UNC13D):c.1760G>T (p.Arg587Leu)

Gene: UNC13D (unc-13 homolog D; minus strand). Cytogenetic location: 17q25.1.
Variant type: single nucleotide variant.
Coding change: c.1760G>T on transcript NM_199242.3 (MANE Select); coding-DNA position 1760, G replaced by T.
Protein change: p.Arg587Leu; replaces arginine 587 with leucine.
Molecular consequence: missense variant.
Genome position (GRCh38, 1-based): chr17:75,835,497, C>A on the plus strand (G>T on the coding strand, the complement: UNC13D is on the minus strand). VCF-style: chr17-75835497-C-A. GRCh37 (hg19) VCF-style: chr17-73831578-C-A.
Other names: c.1760G>T (NM_199242.2); short protein forms R587L.
Identifiers: ClinVar variation 1004410 (VCV001004410.6), dbSNP rs201600711, ClinGen allele CA8772817.

ClinVar aggregate classification (germline): Uncertain significance. Review status: criteria provided, multiple submitters, no conflicts (2 of 4 stars). 2 submissions from 2 submitters: Uncertain significance (2). Last evaluated 2025-10-21.

Conditions:
Inborn genetic diseases. Identifiers: MedGen C0950123, MeSH D030342.
Familial hemophagocytic lymphohistiocytosis 3 (FHL3). Also called: UNC13D-Related Familial Hemophagocytic Lymphohistiocytosis (UNC13D-fHLH). Identifiers: Orphanet 540, MedGen C1837174, MONDO:0012146, OMIM 608898.

gnomAD v4.1: 3 of 1,609,696 alleles (0.00019%); highest among the groups gnomAD compares: Admixed American, 0.005%; no homozygotes.

Submissions (2):

Labcorp Genetics (formerly Invitae), Labcorp
Classification: Uncertain significance for Familial hemophagocytic lymphohistiocytosis 3. Last evaluated: 2025-10-21. Review status: criteria provided, single submitter. Criteria: Invitae Variant Classification Sherloc (09022015). Collection method: clinical testing. Allele origin: germline.
Comment: This sequence change replaces arginine, which is basic and polar, with leucine, which is neutral and non-polar, at codon 587 of the UNC13D protein (p.Arg587Leu). This variant is present in population databases (rs201600711, gnomAD 0.009%). This variant has not been reported in the literature in individuals affected with UNC13D-related conditions. ClinVar contains an entry for this variant (Variation ID: 1004410). Invitae Evidence Modeling of protein sequence and biophysical properties (such as structural, functional, and spatial information, amino acid conservation, physicochemical variation, residue mobility, and thermodynamic stability) indicates that this missense variant is not expected to disrupt UNC13D protein function with a negative predictive value of 80%. Algorithms developed to predict the effect of sequence changes on RNA splicing suggest that this variant may disrupt the consensus splice site. In summary, the available evidence is currently insufficient to determine the role of this variant in disease. Therefore, it has been classified as a Variant of Uncertain Significance.

Ambry Genetics
Classification: Uncertain significance for Inborn genetic diseases. Last evaluated: 2025-08-03. Review status: criteria provided, single submitter. Criteria: Ambry Variant Classification Scheme 2023. Collection method: clinical testing. Allele origin: germline.